The following is an entry in ClinVar:

NM_004329.3(BMPR1A):c.1461G>T (p.Trp487Cys)

Gene: BMPR1A (bone morphogenetic protein receptor type 1A; plus strand). Cytogenetic location: 10q23.2.
Variant type: single nucleotide variant.
Coding change: c.1461G>T on transcript NM_004329.3 (MANE Select); coding-DNA position 1461, G replaced by T.
Protein change: p.Trp487Cys; replaces tryptophan 487 with cysteine.
Molecular consequence: missense variant. On other transcripts: non-coding transcript variant (3).
Genome position (GRCh38, 1-based): chr10:86,923,494, G>T. VCF-style: chr10-86923494-G-T. GRCh37 (hg19) VCF-style: chr10-88683251-G-T.
Other names: c.1536G>T, p.Trp512Cys (NM_001406559.1); c.1509G>T, p.Trp503Cys (NM_001406560.1); c.1461G>T, p.Trp487Cys (NM_001406561.1, NM_001406562.1, NM_001406563.1 and 19 more transcripts); c.1455G>T, p.Trp485Cys (NM_001406583.1); c.1377G>T, p.Trp459Cys (NM_001406584.1, NM_001406585.1, NM_001406586.1 and 2 more transcripts); c.1119G>T, p.Trp373Cys (NM_001406589.1); short protein forms W373C, W459C, W485C, W487C, W503C, W512C.
Identifiers: ClinVar variation 3894169 (VCV003894169.1).

ClinVar aggregate classification (germline): Uncertain significance (1 of 4 stars; one submission).

Conditions:
Hereditary cancer-predisposing syndrome. Also called: Neoplastic Syndromes, Hereditary; Tumor predisposition; Hereditary Cancer Syndrome; Hereditary neoplastic syndrome. Identifiers: Orphanet 140162, MedGen C0027672, MeSH D009386, MONDO:0015356.

Submission:

Color Diagnostics, LLC DBA Color Health
Classification: Uncertain significance for Hereditary cancer-predisposing syndrome. Last evaluated: 2025-01-06. Review status: criteria provided, single submitter. Criteria: ACMG Guidelines, 2015. Collection method: clinical testing. Allele origin: germline.
Comment: This missense variant replaces tryptophan with cysteine at codon 487 of the BMPR1A protein. Computational prediction is inconclusive regarding the impact of this variant on protein structure and function (internally defined REVEL score threshold 0.5 < inconclusive < 0.7, PMID: 27666373). To our knowledge, functional studies have not been reported for this variant. This variant has not been reported in individuals affected with BMPR1A-related disorders in the literature. This variant has not been identified in the general population by the Genome Aggregation Database (gnomAD). The available evidence is insufficient to determine the role of this variant in disease conclusively. Therefore, this variant is classified as a Variant of Uncertain Significance.